The following is an entry in ClinVar:

NM_001195553.2(DCX):c.851C>T (p.Pro284Leu)

Gene: DCX (doublecortin; minus strand). Cytogenetic location: Xq23.
Variant type: single nucleotide variant.
Coding change: c.851C>T on transcript NM_001195553.2 (MANE Select); coding-DNA position 851, C replaced by T.
Protein change: p.Pro284Leu; replaces proline 284 with leucine.
Molecular consequence: missense variant.
Genome position (GRCh38, 1-based): chrX:111,330,999, G>A on the plus strand (C>T on the coding strand, the complement: DCX is on the minus strand). VCF-style: chrX-111330999-G-A. GRCh37 (hg19) VCF-style: chrX-110574227-G-A.
Other names: c.1094C>T, p.Pro365Leu (NM_000555.3); c.851C>T, p.Pro284Leu (NM_001369370.1, NM_001369371.1, NM_001369372.1 and 6 more transcripts); short protein forms P284L, P365L.
Identifiers: ClinVar variation 1763712 (VCV001763712.2), dbSNP rs1345617286, ClinGen allele CA414241317.
Genomic context (GRCh38, chrX:111,330,999, plus strand): 5'-CTTCGGCGCATAGGACCAGGGCTCTTGGCTGAAGTCTTCTGAGGTGTTGGGGATGCCTTT[G>A]GGCCAGCTGTGGCTGATGGGTTTCCCTTCATGACTCGGCATTCTGGGGCAAAAGGACACA-3'
Protein context (NP_001182482.1, residues 274-294): MKGNPSATAG[Pro284Leu]KASPTPQKTS

ClinVar aggregate classification (germline): Uncertain significance (1 of 4 stars; one submission).

Conditions:
Inborn genetic diseases. Identifiers: MedGen C0950123, MeSH D030342.

Allele frequency attached by ClinVar (database versions not stated): gnomAD exomes below 0.00001.
gnomAD v4.1: 2 of 1,211,879 alleles (0.00017%); highest among the groups gnomAD compares: Non-Finnish European, 0.00022%; no homozygotes.

Submission:

Ambry Genetics
Classification: Uncertain significance for Inborn genetic diseases. Last evaluated: 2020-02-25. Review status: criteria provided, single submitter. Criteria: Ambry Variant Classification Scheme 2023. Collection method: clinical testing. Allele origin: germline.
Comment: The p.P284L variant (also known as c.851C>T), located in coding exon 4 of the DCX gene, results from a C to T substitution at nucleotide position 851. The proline at codon 284 is replaced by leucine, an amino acid with similar properties. This amino acid position is well conserved in available vertebrate species. In addition, this alteration is predicted to be tolerated by in silico analysis. Since supporting evidence is limited at this time, the clinical significance of this alteration remains unclear.